The following is an entry in ClinVar:

ClinVar aggregate classification (germline): Likely pathogenic. Review status: criteria provided, multiple submitters, no conflicts (2 of 4 stars). 2 submissions from 2 submitters: Likely pathogenic (2). Last evaluated 2018-07-26.

Conditions:
Kleefstra syndrome 1 (KLEFS1). Identifiers: Orphanet 261494, MedGen C0795833, MONDO:0027407, OMIM 610253.

Allele frequency attached by ClinVar (database versions not stated): gnomAD exomes below 0.00001.
gnomAD v4.1: 1 of 1,613,682 alleles (0.000062%); no homozygotes.

Submissions (2):

Baylor Genetics
Classification: Likely pathogenic for Kleefstra syndrome 1. Last evaluated: 2018-07-26. Review status: criteria provided, single submitter. Criteria: ACMG Guidelines, 2015. Collection method: clinical testing. Allele origin: de novo. Affected: yes.
Comment: This variant was determined to be likely pathogenic according to ACMG Guidelines, 2015 [PMID:25741868].

Undiagnosed Diseases Network, NIH
Classification: Likely pathogenic for Kleefstra syndrome 1. Last evaluated: 2017-01-24. Review status: criteria provided, single submitter. Criteria: ACMG Guidelines, 2015. Collection method: clinical testing. Allele origin: de novo. Inheritance: Autosomal dominant inheritance. Affected: yes. Observed: 1 variant allele, 1 heterozygote. Study: Undiagnosed Diseases Network (NIH), UDN.

NM_024757.5(EHMT1):c.2516G>T (p.Gly839Val)

Gene: EHMT1 (euchromatic histone lysine methyltransferase 1; plus strand). Cytogenetic location: 9q34.3.
Variant type: single nucleotide variant.
Coding change: c.2516G>T on transcript NM_024757.5 (MANE Select); coding-DNA position 2516, G replaced by T.
Protein change: p.Gly839Val; replaces glycine 839 with valine.
Molecular consequence: missense variant.
Genome position (GRCh38, 1-based): chr9:137,798,823, G>T. VCF-style: chr9-137798823-G-T. GRCh37 (hg19) VCF-style: chr9-140693275-G-T.
Other names: c.2495G>T, p.Gly832Val (NM_001354263.2); short protein forms G839V, G832V.
Identifiers: ClinVar variation 522804 (VCV000522804.4), dbSNP rs1554888939, ClinGen allele CA375787968.
Genomic context (GRCh38, chr9:137,798,823, plus strand): 5'-ACCAGGATCACAGGTATGGATTCTTTGACTAAGTGGCATTTCTGTTGCAGGACGCAGAGG[G>T]CTCTACGTGTTTGCACCTGGCTGCCAAGAAAGGCCACTACGAAGTGGTCCAGTACCTGCT-3'
Protein context (NP_079033.4, residues 829-849): GALVDPKDAE[Gly839Val]STCLHLAAKK